The following is an entry in ClinVar:

ClinVar aggregate classification (germline): Uncertain significance (1 of 4 stars; one submission).

Conditions:
Ciliary dyskinesia, primary, 37 (CILD37). Also called: CILIARY DYSKINESIA, PRIMARY, 37, WITH OR WITHOUT SITUS INVERSUS. Identifiers: MedGen C4539798, MONDO:0033204, OMIM 617577.
Spermatogenic failure 18. Identifiers: MedGen C4539783, MONDO:0054615, OMIM 617576.

gnomAD v4.1: 7 of 1,613,672 alleles (0.00043%); highest among the groups gnomAD compares: Non-Finnish European, 0.00059%; no homozygotes.

Submission:

Juno Genomics, Hangzhou Juno Genomics, Inc
Classification: Uncertain significance for Ciliary dyskinesia, primary, 37; Spermatogenic failure 18. Review status: criteria provided, single submitter. Criteria: ACMG Guidelines, 2015. Collection method: clinical testing. Allele origin: germline.
Comment: Absent from controls (or at extremely low frequency if recessive) in Genome Aggregation Database.

NM_015512.5(DNAH1):c.11239G>A (p.Glu3747Lys)

Gene: DNAH1 (dynein axonemal heavy chain 1; plus strand). Cytogenetic location: 3p21.1.
Variant type: single nucleotide variant.
Coding change: c.11239G>A on transcript NM_015512.5 (MANE Select); coding-DNA position 11239, G replaced by A.
Protein change: p.Glu3747Lys; replaces glutamic acid 3747 with lysine.
Molecular consequence: missense variant.
Genome position (GRCh38, 1-based): chr3:52,395,658, G>A. VCF-style: chr3-52395658-G-A. GRCh37 (hg19) VCF-style: chr3-52429674-G-A.
Other names: short protein forms E3747K.
Identifiers: ClinVar variation 5019016 (VCV005019016.2).